The following is an entry in ClinVar:

NM_001365536.1(SCN9A):c.3923G>A (p.Arg1308Lys)

Genes: SCN1A-AS1 (SCN1A and SCN9A antisense RNA 1; plus strand), SCN9A (sodium voltage-gated channel alpha subunit 9; minus strand). Cytogenetic location: 2q24.3.
Variant type: single nucleotide variant.
Coding change: c.3923G>A on transcript NM_001365536.1 (MANE Select); coding-DNA position 3923, G replaced by A.
Protein change: p.Arg1308Lys; replaces arginine 1308 with lysine.
Molecular consequence: missense variant.
Genome position (GRCh38, 1-based): chr2:166,233,341, C>T on the plus strand (G>A on the coding strand, the complement: SCN9A is on the minus strand). VCF-style: chr2-166233341-C-T. GRCh37 (hg19) VCF-style: chr2-167089851-C-T.
Other names: c.3890G>A, p.Arg1297Lys (NM_002977.4); short protein forms R1308K, R1297K.
Identifiers: ClinVar variation 962953 (VCV000962953.8), dbSNP rs1695178401, ClinGen allele CA349066262.
Genomic context (GRCh38, chr2:166,233,341, plus strand): 5'-TTTTATATTTTAAACCCCATTAAAAAATAAGAACATTATAAAGTTTAGTATTTTCTTACC[C>T]TCATTCCTTCAAATCTAGATAAGGCTCTTAGAGGTCTTAAAGCTCTCAGTGTCCGAAGGG-3'
Protein context (NP_001352465.1, residues 1298-1318): LRALSRFEGM[Arg1308Lys]VVVNALIGAI

ClinVar aggregate classification (germline): Uncertain significance (1 of 4 stars; one submission).

Conditions:
Generalized epilepsy with febrile seizures plus, type 7 (GEFSP7). Also called: GEFS+, TYPE 7. Identifiers: Orphanet 36387, MedGen C2751778, MONDO:0013470, OMIM 613863.
Neuropathy, hereditary sensory and autonomic, type 2A (HSAN2A). Also called: WNK1-Related HSAN2 (HSAN2A); HSAN IIA; MORVAN DISEASE; NEUROPATHY, CONGENITAL SENSORY; NEUROPATHY, HEREDITARY SENSORY RADICULAR, AUTOSOMAL RECESSIVE; NEUROPATHY, HEREDITARY SENSORY, TYPE IIA. Identifiers: Orphanet 970, MedGen C2752089, MONDO:0024309, OMIM 201300.

Allele frequency attached by ClinVar (database versions not stated): gnomAD exomes below 0.00001; TOPMed below 0.00001.
gnomAD v4.1: 1 of 1,528,026 alleles (0.000065%); highest among the groups gnomAD compares: Non-Finnish European, 0.000087%; no homozygotes.

Submission:

Labcorp Genetics (formerly Invitae), Labcorp
Classification: Uncertain significance for Neuropathy, hereditary sensory and autonomic, type 2A; Generalized epilepsy with febrile seizures plus, type 7. Last evaluated: 2025-09-02. Review status: criteria provided, single submitter. Criteria: Invitae Variant Classification Sherloc (09022015). Collection method: clinical testing. Allele origin: germline.
Comment: This sequence change replaces arginine, which is basic and polar, with lysine, which is basic and polar, at codon 1297 of the SCN9A protein (p.Arg1297Lys). This variant is not present in population databases (gnomAD no frequency). This variant has not been reported in the literature in individuals affected with SCN9A-related conditions. ClinVar contains an entry for this variant (Variation ID: 962953). An algorithm developed to predict the effect of missense changes on protein structure and function outputs the following: PolyPhen-2: "Benign". The lysine amino acid residue is found in multiple mammalian species, which suggests that this missense change does not adversely affect protein function. In summary, the available evidence is currently insufficient to determine the role of this variant in disease. Therefore, it has been classified as a Variant of Uncertain Significance.